The following is an entry in ClinVar:

NM_016341.4(PLCE1):c.1956-10C>T

Gene: PLCE1 (phospholipase C epsilon 1; plus strand). Cytogenetic location: 10q23.33.
Variant type: single nucleotide variant.
Coding change: c.1956-10C>T on transcript NM_016341.4 (MANE Select); 10 bases into the intron before coding-DNA position 1956, C replaced by T.
Molecular consequence: intron variant.
Genome position (GRCh38, 1-based): chr10:94,234,044, C>T. VCF-style: chr10-94234044-C-T. GRCh37 (hg19) VCF-style: chr10-95993801-C-T.
Other names: c.1956-10C>T (NM_001288989.2, NM_016341.3); c.1032-10C>T (NM_001165979.2).
Identifiers: ClinVar variation 2887795 (VCV002887795.5), dbSNP rs117055621, ClinGen allele CA5612533.

ClinVar aggregate classification (germline): Likely benign. Review status: criteria provided, single submitter (1 of 4 stars). 2 submissions from 2 submitters: Likely benign (1). 1 of the submissions does not count toward it. Last evaluated 2024-06-03.

Conditions:
PLCE1-related disorder. Also called: PLCE1-related condition.

Allele frequency attached by ClinVar (database versions not stated): gnomAD exomes 0.00003; gnomAD 0.00005; ExAC 0.00007; TOPMed 0.00012; 1000 Genomes Project 30x 0.00031; 1000 Genomes Project 0.00040.
gnomAD v4.1: 56 of 1,610,868 alleles (0.0035%); highest among the groups gnomAD compares: East Asian, 0.1%; no homozygotes.

Submissions (2):

Labcorp Genetics (formerly Invitae), Labcorp
Classification: Likely benign. Last evaluated: 2024-06-03. Review status: criteria provided, single submitter. Criteria: Invitae Variant Classification Sherloc (09022015). Collection method: clinical testing. Allele origin: germline.

PreventionGenetics, part of Exact Sciences
Classification: Likely benign for PLCE1-related condition. Last evaluated: 2019-08-30. Review status: no assertion criteria provided. Collection method: clinical testing. Allele origin: germline. Not counted in ClinVar's aggregate classification.
Comment: This variant is classified as likely benign based on ACMG/AMP sequence variant interpretation guidelines (Richards et al. 2015 PMID: 25741868, with internal and published modifications).